The following is an entry in ClinVar:

ClinVar aggregate classification (germline): Likely benign (1 of 4 stars; one submission).

Submission:

CeGaT Center for Human Genetics Tuebingen
Classification: Likely benign. Last evaluated: 2024-09-01. Review status: criteria provided, single submitter. Criteria: CeGaT Center For Human Genetics Tuebingen Variant Classification Criteria Version 2. Collection method: clinical testing. Allele origin: germline. Affected: yes. Observed: 1 variant allele.
Comment: PET117: PM2:Supporting, BP4, BP7

NM_001164811.2(PET117):c.240A>G (p.Lys80=)

Genes: KAT14 (lysine acetyltransferase 14; plus strand), PET117 (PET117 cytochrome c oxidase chaperone; plus strand). Cytogenetic location: 20p11.23.
Variant type: single nucleotide variant.
Coding change: c.240A>G on transcript NM_001164811.2 (MANE Select); coding-DNA position 240, A replaced by G.
Protein change: p.Lys80=; no amino-acid change (lysine 80 retained).
Molecular consequence: synonymous variant. On other transcripts: 5 prime UTR variant (15).
Genome position (GRCh38, 1-based): chr20:18,142,351, A>G. VCF-style: chr20-18142351-A-G. GRCh37 (hg19) VCF-style: chr20-18122995-A-G.
Other names: c.-310A>G (NM_001384192.3, NM_001392069.1, NM_001392070.1 and 12 more transcripts).
Identifiers: ClinVar variation 3389618 (VCV003389618.14).